The following is an entry in ClinVar:

ClinVar aggregate classification (germline): Uncertain significance (1 of 4 stars; one submission).

gnomAD v4.1: 40 of 1,614,186 alleles (0.0025%); highest among the groups gnomAD compares: South Asian, 0.035%; no homozygotes.

Submission:

Labcorp Genetics (formerly Invitae), Labcorp
Classification: Uncertain significance. Last evaluated: 2025-06-20. Review status: criteria provided, single submitter. Criteria: Invitae Variant Classification Sherloc (09022015). Collection method: clinical testing. Allele origin: germline.
Comment: This sequence change replaces isoleucine, which is neutral and non-polar, with valine, which is neutral and non-polar, at codon 805 of the KIF23 protein (p.Ile805Val). This variant is present in population databases (rs551755264, gnomAD 0.04%), and has an allele count higher than expected for a pathogenic variant. This variant has not been reported in the literature in individuals affected with KIF23-related conditions. Invitae Evidence Modeling of protein sequence and biophysical properties (such as structural, functional, and spatial information, amino acid conservation, physicochemical variation, residue mobility, and thermodynamic stability) indicates that this missense variant is not expected to disrupt KIF23 protein function with a negative predictive value of 80%. In summary, the available evidence is currently insufficient to determine the role of this variant in disease. Therefore, it has been classified as a Variant of Uncertain Significance.

NM_001367805.3(KIF23):c.2455A>G (p.Ile819Val)

Gene: KIF23 (kinesin family member 23; plus strand). Cytogenetic location: 15q23.
Variant type: single nucleotide variant.
Coding change: c.2455A>G on transcript NM_001367805.3 (MANE Select); coding-DNA position 2455, A replaced by G.
Protein change: p.Ile819Val; replaces isoleucine 819 with valine.
Molecular consequence: missense variant. On other transcripts: non-coding transcript variant (2), intron variant (1).
Genome position (GRCh38, 1-based): chr15:69,444,823, A>G. VCF-style: chr15-69444823-A-G. GRCh37 (hg19) VCF-style: chr15-69737162-A-G.
Other names: c.2413A>G, p.Ile805Val (NM_001367804.2, NM_138555.4); c.2101A>G, p.Ile701Val (NM_004856.7); c.2050-1186A>G (NM_001281301.2); short protein forms I819V, I701V, I805V.
Identifiers: ClinVar variation 4695777 (VCV004695777.1).